The following is an entry in ClinVar:

NM_002579.3(PALM):c.658G>T (p.Ala220Ser)

Gene: PALM (paralemmin; plus strand). Cytogenetic location: 19p13.3.
Variant type: single nucleotide variant.
Coding change: c.658G>T on transcript NM_002579.3 (MANE Select); coding-DNA position 658, G replaced by T.
Protein change: p.Ala220Ser; replaces alanine 220 with serine.
Molecular consequence: missense variant.
Genome position (GRCh38, 1-based): chr19:746,308, G>T. VCF-style: chr19-746308-G-T. GRCh37 (hg19) VCF-style: chr19-746308-G-T.
Other names: c.526G>T, p.Ala176Ser (NM_001040134.2); c.658G>T (NM_002579.2); short protein forms A176S, A220S.
Identifiers: ClinVar variation 2877995 (VCV002877995.4), dbSNP rs142636705, ClinGen allele CA9022727.

ClinVar aggregate classification (germline): Uncertain significance. Review status: criteria provided, multiple submitters, no conflicts (2 of 4 stars). 2 submissions from 2 submitters: Uncertain significance (2). Last evaluated 2025-08-02.

gnomAD v4.1: 8 of 1,613,258 alleles (0.0005%); highest among the groups gnomAD compares: Non-Finnish European, 0.00068%; no homozygotes.

Submissions (2):

Ambry Genetics
Classification: Uncertain significance. Last evaluated: 2025-08-02. Review status: criteria provided, single submitter. Criteria: Ambry Variant Classification Scheme 2023. Collection method: clinical testing. Allele origin: germline.

Labcorp Genetics (formerly Invitae), Labcorp
Classification: Uncertain significance. Last evaluated: 2023-01-20. Review status: criteria provided, single submitter. Criteria: Invitae Variant Classification Sherloc (09022015). Collection method: clinical testing. Allele origin: germline.
Comment: This variant has not been reported in the literature in individuals affected with PALM-related conditions. This variant is present in population databases (rs142636705, gnomAD 0.002%). This sequence change replaces alanine, which is neutral and non-polar, with serine, which is neutral and polar, at codon 220 of the PALM protein (p.Ala220Ser). Algorithms developed to predict the effect of missense changes on protein structure and function (SIFT, PolyPhen-2, Align-GVGD) all suggest that this variant is likely to be tolerated. In summary, the available evidence is currently insufficient to determine the role of this variant in disease. Therefore, it has been classified as a Variant of Uncertain Significance.